The following is an entry in ClinVar:

ClinVar aggregate classification (germline): Uncertain significance (1 of 4 stars; one submission).

Submission:

Labcorp Genetics (formerly Invitae), Labcorp
Classification: Uncertain significance. Last evaluated: 2024-10-25. Review status: criteria provided, single submitter. Criteria: Invitae Variant Classification Sherloc (09022015). Collection method: clinical testing. Allele origin: germline.
Comment: This sequence change replaces aspartic acid, which is acidic and polar, with glutamic acid, which is acidic and polar, at codon 575 of the CNGA3 protein (p.Asp575Glu). This variant is present in population databases (rs148867596, gnomAD 0.008%). This variant has not been reported in the literature in individuals affected with CNGA3-related conditions. ClinVar contains an entry for this variant (Variation ID: 2071588). Invitae Evidence Modeling of protein sequence and biophysical properties (such as structural, functional, and spatial information, amino acid conservation, physicochemical variation, residue mobility, and thermodynamic stability) has been performed for this missense variant. However, the output from this modeling did not meet the statistical confidence thresholds required to predict the impact of this variant on CNGA3 protein function. In summary, the available evidence is currently insufficient to determine the role of this variant in disease. Therefore, it has been classified as a Variant of Uncertain Significance.

NM_001298.3(CNGA3):c.1725C>A (p.Asp575Glu)

Gene: CNGA3 (cyclic nucleotide gated channel subunit alpha 3; plus strand). Cytogenetic location: 2q11.2.
Variant type: single nucleotide variant.
Coding change: c.1725C>A on transcript NM_001298.3 (MANE Select); coding-DNA position 1725, C replaced by A.
Protein change: p.Asp575Glu; replaces aspartic acid 575 with glutamic acid.
Molecular consequence: missense variant.
Genome position (GRCh38, 1-based): chr2:98,396,895, C>A. VCF-style: chr2-98396895-C-A. GRCh37 (hg19) VCF-style: chr2-99013358-C-A.
Other names: c.1671C>A, p.Asp557Glu (NM_001079878.2); short protein forms D557E, D575E.
Identifiers: ClinVar variation 2071588 (VCV002071588.4), dbSNP rs148867596, ClinGen allele CA1794078.